The following is an entry in ClinVar:

ClinVar aggregate classification (germline): Conflicting classifications of pathogenicity. Review status: criteria provided, conflicting classifications (1 of 4 stars). 3 submissions from 3 submitters: Uncertain significance (2); Likely benign (1). Last evaluated 2026-07-30.

Conditions:
Renal cell carcinoma. Identifiers: Orphanet 217071, MedGen C0007134, MeSH D002292, MONDO:0005086, HP:0005584.
Hereditary cancer-predisposing syndrome. Also called: Hereditary neoplastic syndrome; Hereditary Cancer Syndrome; Neoplastic Syndromes, Hereditary; Tumor predisposition. Identifiers: Orphanet 140162, MedGen C0027672, MeSH D009386, MONDO:0015356.

Allele frequency attached by ClinVar (database versions not stated): gnomAD exomes below 0.00001.
gnomAD v4.1: 1 of 1,613,870 alleles (0.000062%); highest among the groups gnomAD compares: Non-Finnish European, 0.000085%; no homozygotes.

Submissions (3):

Ambry Genetics
Classification: Likely benign for Hereditary cancer-predisposing syndrome. Last evaluated: 2026-07-30. Review status: criteria provided, single submitter. Criteria: Ambry Variant Classification Scheme 2023. Collection method: clinical testing. Allele origin: germline.

Center for Genomic Medicine, Rigshospitalet, Copenhagen University Hospital
Classification: Uncertain significance. Last evaluated: 2025-03-04. Review status: criteria provided, single submitter. Criteria: ACMG Guidelines, 2015. Collection method: clinical testing. Allele origin: germline.

Labcorp Genetics (formerly Invitae), Labcorp
Classification: Uncertain significance for Renal cell carcinoma. Last evaluated: 2024-11-21. Review status: criteria provided, single submitter. Criteria: Invitae Variant Classification Sherloc (09022015). Collection method: clinical testing. Allele origin: germline.
Comment: This sequence change replaces valine, which is neutral and non-polar, with isoleucine, which is neutral and non-polar, at codon 788 of the MET protein (p.Val788Ile). This variant is not present in population databases (gnomAD no frequency). This variant has not been reported in the literature in individuals affected with MET-related conditions. ClinVar contains an entry for this variant (Variation ID: 2624915). Invitae Evidence Modeling of protein sequence and biophysical properties (such as structural, functional, and spatial information, amino acid conservation, physicochemical variation, residue mobility, and thermodynamic stability) indicates that this missense variant is not expected to disrupt MET protein function with a negative predictive value of 80%. In summary, the available evidence is currently insufficient to determine the role of this variant in disease. Therefore, it has been classified as a Variant of Uncertain Significance.

NM_000245.4(MET):c.2308G>A (p.Val770Ile)

Gene: MET (MET proto-oncogene, receptor tyrosine kinase; plus strand). Cytogenetic location: 7q31.2.
Variant type: single nucleotide variant.
Coding change: c.2308G>A on transcript NM_000245.4 (MANE Select); coding-DNA position 2308, G replaced by A.
Protein change: p.Val770Ile; replaces valine 770 with isoleucine.
Molecular consequence: missense variant.
Genome position (GRCh38, 1-based): chr7:116,759,434, G>A. VCF-style: chr7-116759434-G-A. GRCh37 (hg19) VCF-style: chr7-116399488-G-A.
Other names: c.2362G>A, p.Val788Ile (NM_001127500.3); c.2308G>A, p.Val770Ile (NM_001324401.3); c.1018G>A, p.Val340Ile (NM_001324402.2); short protein forms V340I, V770I, V788I.
Identifiers: ClinVar variation 2624915 (VCV002624915.9), dbSNP rs2485726553, ClinGen allele CA368982246.